The following is an entry in ClinVar:

NM_052947.4(ALPK2):c.98G>C (p.Cys33Ser)

Gene: ALPK2 (alpha kinase 2; minus strand). Cytogenetic location: 18q21.32.
Variant type: single nucleotide variant.
Coding change: c.98G>C on transcript NM_052947.4 (MANE Select); coding-DNA position 98, G replaced by C.
Protein change: p.Cys33Ser; replaces cysteine 33 with serine.
Molecular consequence: missense variant.
Genome position (GRCh38, 1-based): chr18:58,611,700, C>G on the plus strand (G>C on the coding strand, the complement: ALPK2 is on the minus strand). VCF-style: chr18-58611700-C-G. GRCh37 (hg19) VCF-style: chr18-56278932-C-G.
Other names: short protein forms C33S.
Identifiers: ClinVar variation 1768552 (VCV001768552.2), dbSNP rs2518915254, ClinGen allele CA402557854.

ClinVar aggregate classification (germline): Uncertain significance (1 of 4 stars; one submission).

Submission:

Ambry Genetics
Classification: Uncertain significance. Last evaluated: 2021-10-27. Review status: criteria provided, single submitter. Criteria: Ambry Variant Classification Scheme 2023. Collection method: clinical testing. Allele origin: germline.
Comment: The p.C33S variant (also known as c.98G>C), located in coding exon 1 of the ALPK2 gene, results from a G to C substitution at nucleotide position 98. The cysteine at codon 33 is replaced by serine, an amino acid with dissimilar properties. This amino acid position is conserved. In addition, this alteration is predicted to be deleterious by in silico analysis. Since supporting evidence is limited at this time, the clinical significance of this alteration remains unclear.